The following is an entry in ClinVar:

ClinVar aggregate classification (germline): Uncertain significance (1 of 4 stars; one submission).

Submission:

GeneDx
Classification: Uncertain significance. Last evaluated: 2022-05-10. Review status: criteria provided, single submitter. Criteria: GeneDx Variant Classification Process June 2021. Collection method: clinical testing. Allele origin: germline. Affected: yes.
Comment: Not observed at significant frequency in large population cohorts (gnomAD); In silico analysis supports that this missense variant has a deleterious effect on protein structure/function; This variant is associated with the following publications: (PMID: 23479567, 9718354)

NM_001142864.4(PIEZO1):c.6059C>T (p.Ala2020Val)

Gene: PIEZO1 (piezo type mechanosensitive ion channel component 1 (Er blood group); minus strand). Cytogenetic location: 16q24.3.
Variant type: single nucleotide variant.
Coding change: c.6059C>T on transcript NM_001142864.4 (MANE Select); coding-DNA position 6059, C replaced by T.
Protein change: p.Ala2020Val; replaces alanine 2020 with valine.
Molecular consequence: missense variant.
Genome position (GRCh38, 1-based): chr16:88,720,174, G>A on the plus strand (C>T on the coding strand, the complement: PIEZO1 is on the minus strand). VCF-style: chr16-88720174-G-A. GRCh37 (hg19) VCF-style: chr16-88786582-G-A.
Other names: c.6059C>T, p.Ala2020Val (LRG_1137t1); short protein forms A2020V.
Identifiers: ClinVar variation 242668 (VCV000242668.3), dbSNP rs587777764, ClinGen allele CA082756.
Genomic context (GRCh38, chr16:88,720,174, plus strand): 5'-GCCAGCACCAGCGCCACCTGGAAGGCCAGCTTGCCCAGCACGGTCTTGCGCAGGTAGAGG[G>A]CGCGGTCAACCACCATGGTACTGAACTGGATCAGCAGCATGACCAGGAAAGCCTCGGGTA-3'
Protein context (NP_001136336.2, residues 2010-2030): IQFSTMVVDR[Ala2020Val]LYLRKTVLGK